The following is an entry in ClinVar:

NM_001148.6(ANK2):c.4807G>C (p.Ala1603Pro)

Gene: ANK2 (ankyrin 2; plus strand). Cytogenetic location: 4q26.
Variant type: single nucleotide variant.
Coding change: c.4807G>C on transcript NM_001148.6 (MANE Select); coding-DNA position 4807, G replaced by C.
Protein change: p.Ala1603Pro; replaces alanine 1603 with proline.
Molecular consequence: missense variant. On other transcripts: intron variant (68).
Genome position (GRCh38, 1-based): chr4:113,353,425, G>C. VCF-style: chr4-113353425-G-C. GRCh37 (hg19) VCF-style: chr4-114274581-G-C.
Other names: c.4573G>C, p.Ala1525Pro (NM_001386142.1); c.1207G>C, p.Ala403Pro (NM_001386166.1); c.4948G>C, p.Ala1650Pro (NM_001386174.1); c.4924G>C, p.Ala1642Pro (NM_001386175.1); c.4411+3176G>C (NM_001386186.2, NM_001386148.2); c.4213+3176G>C (NM_001354269.3); c.4291+3176G>C (NM_001386187.2); c.4252+3176G>C (NM_001386147.1); and 35 more; short protein forms A1525P, A1603P, A1642P, A1650P, A403P.
Identifiers: ClinVar variation 2662787 (VCV002662787.1), dbSNP rs2505232001, ClinGen allele CA357916775.
Genomic context (GRCh38, chr4:113,353,425, plus strand): 5'-TCTGAGAGAGGATTAGTTGAAGAGGAATGGGTTATTGTCAGTGATGAGGAAATAGAAGAG[G>C]CTAGGCAAAAAGCACCTTTAGAAATCACTGAATATCCATGTGTAGAAGTTAGAATAGATA-3'
Protein context (NP_001139.3, residues 1593-1613): VIVSDEEIEE[Ala1603Pro]RQKAPLEITE

ClinVar aggregate classification (germline): Uncertain significance (1 of 4 stars; one submission).

gnomAD v4.1: 2 of 1,614,016 alleles (0.00012%); highest among the groups gnomAD compares: South Asian, 0.0011%; no homozygotes.

Submission:

GeneDx
Classification: Uncertain significance. Last evaluated: 2023-04-10. Review status: criteria provided, single submitter. Criteria: GeneDx Variant Classification Process June 2021. Collection method: clinical testing. Allele origin: germline. Affected: yes.
Comment: Not observed at significant frequency in large population cohorts (gnomAD); In silico analysis supports that this missense variant does not alter protein structure/function; Has not been previously published as pathogenic or benign to our knowledge